The following is an entry in ClinVar:

ClinVar aggregate classification (germline): Uncertain significance (1 of 4 stars; one submission).

Conditions:
Amyotrophic lateral sclerosis type 6. Also called: FUS-Related Amyotrophic Laterial Sclerosis; AMYOTROPHIC LATERAL SCLEROSIS 6 WITHOUT FRONTOTEMPORAL DEMENTIA; Amyotrophic lateral sclerosis 6, with or without frontotemporal dementia. Identifiers: Orphanet 275872, Orphanet 803, MedGen C2931786, MONDO:0011951, OMIM 608030.
Tremor, hereditary essential, 4 (ETM4). Identifiers: MedGen C3539195, MONDO:0013888, OMIM 614782.

Submission:

Labcorp Genetics (formerly Invitae), Labcorp
Classification: Uncertain significance for Tremor, hereditary essential, 4; Amyotrophic lateral sclerosis type 6. Last evaluated: 2024-08-29. Review status: criteria provided, single submitter. Criteria: Invitae Variant Classification Sherloc (09022015). Collection method: clinical testing. Allele origin: germline.
Comment: This variant, c.669_692del, results in the deletion of 8 amino acid(s) of the FUS protein (p.Gly224_Gly231del), but otherwise preserves the integrity of the reading frame. This variant is present in population databases (rs770753372, gnomAD 0.003%). This variant has not been reported in the literature in individuals affected with FUS-related conditions. Experimental studies and prediction algorithms are not available or were not evaluated, and the functional significance of this variant is currently unknown. In summary, the available evidence is currently insufficient to determine the role of this variant in disease. Therefore, it has been classified as a Variant of Uncertain Significance.

NM_004960.4(FUS):c.669_692del (p.Gly224_Gly231del)

Gene: FUS (FUS RNA binding protein; plus strand). Cytogenetic location: 16p11.2.
Variant type: Deletion.
Coding change: c.669_692del on transcript NM_004960.4 (MANE Select); coding-DNA positions 669 to 692, 24 bases deleted (CGGCGGCGGCGGCGGCGGTGGTGG).
Protein change: p.Gly224_Gly231del.
Molecular consequence: inframe deletion. On other transcripts: non-coding transcript variant (1).
Genome position (GRCh38, 1-based): chr16:31,185,084-31,185,107, CGGCGGCGGCGGCGGCGGTGGTGG deleted; deleting any 24 consecutive bases within chr16:31,185,077-31,185,107 gives the same sequence; the c. name uses the placement nearest the transcript's 3' end. VCF-style (leftmost placement, unchanged base first): chr16-31185076-AGTGGTGGCGGCGGCGGCGGCGGCG-A. GRCh37 (hg19) VCF-style: chr16-31196397-AGTGGTGGCGGCGGCGGCGGCGGCG-A.
Other names: c.666_689del, p.Gly223_Gly230del (NM_001170634.1); c.657_680del, p.Gly220_Gly227del (NM_001170937.1).
Identifiers: ClinVar variation 3755386 (VCV003755386.2).